The following is an entry in ClinVar:

ClinVar aggregate classification (germline): Uncertain significance (1 of 4 stars; one submission).

Conditions:
RASopathy. Also called: Noonan spectrum disorder; rasopathies. Identifiers: Orphanet 536391, MedGen C5555857, MONDO:0021060.

Submission:

Labcorp Genetics (formerly Invitae), Labcorp
Classification: Uncertain significance for RASopathy. Last evaluated: 2019-03-06. Review status: criteria provided, single submitter. Criteria: Invitae Variant Classification Sherloc (09022015). Collection method: clinical testing. Allele origin: germline.
Comment: In summary, the available evidence is currently insufficient to determine the role of this variant in disease. Therefore, it has been classified as a Variant of Uncertain Significance. The current clinical and genetic evidence is not sufficient to establish whether loss-of-function variants in RAF1 cause disease. Algorithms developed to predict the effect of sequence changes on RNA splicing suggest that this variant may disrupt the consensus splice site, but this prediction has not been confirmed by published transcriptional studies. This variant has not been reported in the literature in individuals with RAF1-related conditions. This variant is not present in population databases (ExAC no frequency). This sequence change affects a donor splice site in intron 15 of the RAF1 gene. It is expected to disrupt RNA splicing and likely results in an absent or disrupted protein product.

NM_002880.4(RAF1):c.1668+1G>A

Gene: RAF1 (Raf-1 proto-oncogene, serine/threonine kinase; minus strand). Cytogenetic location: 3p25.2.
Variant type: single nucleotide variant.
Coding change: c.1668+1G>A on transcript NM_002880.4 (MANE Select); the canonical splice donor site of the intron after coding-DNA position 1668, G replaced by A.
Molecular consequence: splice donor variant.
Genome position (GRCh38, 1-based): chr3:12,585,121, C>T on the plus strand (G>A on the coding strand, the complement: RAF1 is on the minus strand). VCF-style: chr3-12585121-C-T. GRCh37 (hg19) VCF-style: chr3-12626620-C-T.
Other names: c.1326+1G>A (NM_001354695.3); c.1425+1G>A (NM_001354692.3, NM_001354691.3); c.1485+1G>A (NM_001354694.3); c.1569+1G>A (NM_001354693.3); c.1728+1G>A (NM_001354689.3); c.1668+1G>A (NM_001354690.3).
Identifiers: ClinVar variation 855400 (VCV000855400.8), dbSNP rs112252613, ClinGen allele CA69603207.